The following is an entry in ClinVar:

NM_003036.4(SKI):c.687G>C (p.Lys229Asn)

Gene: SKI (SKI proto-oncogene; plus strand). Cytogenetic location: 1p36.33.
Variant type: single nucleotide variant.
Coding change: c.687G>C on transcript NM_003036.4 (MANE Select); coding-DNA position 687, G replaced by C.
Protein change: p.Lys229Asn; replaces lysine 229 with asparagine.
Molecular consequence: missense variant.
Genome position (GRCh38, 1-based): chr1:2,229,453, G>C. VCF-style: chr1-2229453-G-C. GRCh37 (hg19) VCF-style: chr1-2160892-G-C.
Other names: c.687G>C (NM_003036.3); short protein forms K229N.
Identifiers: ClinVar variation 1025747 (VCV001025747.9), dbSNP rs750391739, ClinGen allele CA337954707.

ClinVar aggregate classification (germline): Uncertain significance. Review status: criteria provided, multiple submitters, no conflicts (2 of 4 stars). 4 submissions from 4 submitters: Uncertain significance (4). Last evaluated 2026-06-01.

Conditions:
Familial thoracic aortic aneurysm and aortic dissection (TAAD). Also called: Thoracic aortic aneurysms and dissections. Identifiers: Orphanet 91387, MedGen C4707243, MONDO:0019625.
Shprintzen-Goldberg syndrome (SGS). Also called: CRANIOSYNOSTOSIS WITH ARACHNODACTYLY AND ABDOMINAL HERNIAS; Marfanoid disorder with craniosynostosis type 1; Marfanoid craniosynostosis syndrome; Shprintzen-Goldberg marfanoid syndrome; SHPRINTZEN-GOLDBERG CRANIOSYNOSTOSIS SYNDROME. Identifiers: Orphanet 2462, MedGen C1321551, MONDO:0008426, OMIM 182212.

gnomAD v4.1: 11 of 1,612,156 alleles (0.00068%); highest among the groups gnomAD compares: Non-Finnish European, 0.00093%; no homozygotes.

Submissions (4):

CeGaT Center for Human Genetics Tuebingen
Classification: Uncertain significance. Last evaluated: 2026-06-01. Review status: criteria provided, single submitter. Criteria: CeGaT Center For Human Genetics Tuebingen Variant Classification Criteria Version 2. Collection method: clinical testing. Allele origin: germline. Affected: yes. Observed: 1 variant allele.
Comment: SKI: PP3

Ambry Genetics
Classification: Uncertain significance for Familial thoracic aortic aneurysm and aortic dissection. Last evaluated: 2026-04-01. Review status: criteria provided, single submitter. Criteria: Ambry Variant Classification Scheme 2023. Collection method: clinical testing. Allele origin: germline.
Comment: The p.K229N variant (also known as c.687G>C), located in coding exon 1 of the SKI gene, results from a G to C substitution at nucleotide position 687. The lysine at codon 229 is replaced by asparagine, an amino acid with similar properties. This amino acid position is well conserved in available vertebrate species. In addition, the in silico prediction for this alteration is inconclusive. Based on the available evidence, the clinical significance of this variant remains unclear.

Labcorp Genetics (formerly Invitae), Labcorp
Classification: Uncertain significance for Shprintzen-Goldberg syndrome. Last evaluated: 2025-04-17. Review status: criteria provided, single submitter. Criteria: Invitae Variant Classification Sherloc (09022015). Collection method: clinical testing. Allele origin: germline.
Comment: This sequence change replaces lysine, which is basic and polar, with asparagine, which is neutral and polar, at codon 229 of the SKI protein (p.Lys229Asn). This variant is present in population databases (no rsID available, gnomAD 0.0009%). This variant has not been reported in the literature in individuals affected with SKI-related conditions. ClinVar contains an entry for this variant (Variation ID: 1025747). Invitae Evidence Modeling of protein sequence and biophysical properties (such as structural, functional, and spatial information, amino acid conservation, physicochemical variation, residue mobility, and thermodynamic stability) has been performed for this missense variant. However, the output from this modeling did not meet the statistical confidence thresholds required to predict the impact of this variant on SKI protein function. In summary, the available evidence is currently insufficient to determine the role of this variant in disease. Therefore, it has been classified as a Variant of Uncertain Significance.

Blueprint Genetics
Classification: Uncertain significance. Last evaluated: 2024-09-23. Review status: criteria provided, single submitter. Criteria: ACMG Guidelines, 2015. Collection method: clinical testing. Allele origin: germline.